The following is an entry in ClinVar:

NM_001083961.2(WDR62):c.3246C>T (p.Asp1082=)

Gene: WDR62 (WD repeat domain 62; plus strand). Cytogenetic location: 19q13.12.
Variant type: single nucleotide variant.
Coding change: c.3246C>T on transcript NM_001083961.2 (MANE Select); coding-DNA position 3246, C replaced by T.
Protein change: p.Asp1082=; no amino-acid change (aspartic acid 1082 retained).
Molecular consequence: synonymous variant.
Genome position (GRCh38, 1-based): chr19:36,102,762, C>T. VCF-style: chr19-36102762-C-T. GRCh37 (hg19) VCF-style: chr19-36593664-C-T.
Other names: c.3231C>T, p.Asp1077= (NM_001411145.1, NM_173636.5); c.2997C>T, p.Asp999= (NM_001411146.1); c.2895C>T, p.Asp965= (NM_001411147.1).
Identifiers: ClinVar variation 1989040 (VCV001989040.10), dbSNP rs749825052, ClinGen allele CA9396226.

ClinVar aggregate classification (germline): Likely benign. Review status: criteria provided, multiple submitters, no conflicts (2 of 4 stars). 2 submissions from 2 submitters: Likely benign (2). Last evaluated 2025-12-01.

Allele frequency attached by ClinVar (database versions not stated): ExAC 0.00002; gnomAD exomes 0.00002; gnomAD 0.00003; TOPMed 0.00004.
gnomAD v4.1: 28 of 1,614,110 alleles (0.0017%); highest among the groups gnomAD compares: South Asian, 0.021%; no homozygotes.

Submissions (2):

CeGaT Center for Human Genetics Tuebingen
Classification: Likely benign. Last evaluated: 2025-12-01. Review status: criteria provided, single submitter. Criteria: CeGaT Center For Human Genetics Tuebingen Variant Classification Criteria Version 2. Collection method: clinical testing. Allele origin: germline. Affected: yes. Observed: 1 variant allele.
Comment: WDR62: BP4, BP7

Labcorp Genetics (formerly Invitae), Labcorp
Classification: Likely benign. Last evaluated: 2022-05-15. Review status: criteria provided, single submitter. Criteria: Invitae Variant Classification Sherloc (09022015). Collection method: clinical testing. Allele origin: germline.